The following is an entry in ClinVar:

NM_004655.4(AXIN2):c.611del (p.Gly204fs)

Gene: AXIN2 (axin 2; minus strand). Cytogenetic location: 17q24.1.
Variant type: Deletion.
Coding change: c.611del on transcript NM_004655.4 (MANE Select); coding-DNA position 611, one base deleted (G; older notation c.611delG).
Protein change: p.Gly204fs; shifts the reading frame from glycine 204.
Molecular consequence: frameshift variant.
Genome position (GRCh38, 1-based): chr17:65,558,010, C deleted on the plus strand (G on the coding strand, the reverse complement: AXIN2 is on the minus strand); the first of 5 consecutive C bases (chr17:65,558,010-65,558,014); deleting any one gives the same sequence. VCF-style (leftmost placement, unchanged base first): chr17-65558009-TC-T. GRCh37 (hg19) VCF-style: chr17-63554127-TC-T.
Other names: c.611delG (NM_004655.3); c.611del, p.Gly204fs (NM_001363813.1); short protein forms G204fs.
Identifiers: ClinVar variation 1751722 (VCV001751722.2), dbSNP rs2544248961, ClinGen allele CA2580095104.

ClinVar aggregate classification (germline): Pathogenic (1 of 4 stars; one submission).

Conditions:
Hereditary cancer-predisposing syndrome. Also called: Hereditary Cancer Syndrome; Hereditary neoplastic syndrome; Neoplastic Syndromes, Hereditary; Tumor predisposition. Identifiers: Orphanet 140162, MedGen C0027672, MeSH D009386, MONDO:0015356.

Submission:

Ambry Genetics
Classification: Pathogenic for Hereditary cancer-predisposing syndrome. Last evaluated: 2020-09-04. Review status: criteria provided, single submitter. Criteria: Ambry Variant Classification Scheme 2023. Collection method: clinical testing. Allele origin: germline.
Comment: The c.611delG pathogenic mutation, located in coding exon 1 of the AXIN2 gene, results from a deletion of one nucleotide at nucleotide position 611, causing a translational frameshift with a predicted alternate stop codon (p.G204Efs*7). This alteration is expected to result in loss of function by premature protein truncation or nonsense-mediated mRNA decay. As such, this alteration is interpreted as a disease-causing mutation.